The following is an entry in ClinVar:

NM_182961.4(SYNE1):c.12707T>G (p.Leu4236Arg)

Gene: SYNE1 (spectrin repeat containing nuclear envelope protein 1; minus strand). Cytogenetic location: 6q25.2.
Variant type: single nucleotide variant.
Coding change: c.12707T>G on transcript NM_182961.4 (MANE Select); coding-DNA position 12707, T replaced by G.
Protein change: p.Leu4236Arg; replaces leucine 4236 with arginine.
Molecular consequence: missense variant.
Genome position (GRCh38, 1-based): chr6:152,334,095, A>C on the plus strand (T>G on the coding strand, the complement: SYNE1 is on the minus strand). VCF-style: chr6-152334095-A-C. GRCh37 (hg19) VCF-style: chr6-152655230-A-C.
Other names: c.12494T>G, p.Leu4165Arg (NM_033071.5); short protein forms L4165R, L4236R.
Identifiers: ClinVar variation 431831 (VCV000431831.3), dbSNP rs1554479643, ClinGen allele CA366105950.

ClinVar aggregate classification (germline): Uncertain significance. Review status: criteria provided, multiple submitters, no conflicts (2 of 4 stars). 2 submissions from 2 submitters: Uncertain significance (2). Last evaluated 2016-08-30.

Submissions (2):

GeneDx
Classification: Uncertain significance. Last evaluated: 2016-08-30. Review status: criteria provided, single submitter. Criteria: GeneDx Variant Classification (06012015). Collection method: clinical testing. Allele origin: germline. Affected: yes.
Comment: The L4165R variant has not been published as a pathogenic variant, nor has it been reported as a benign variant to our knowledge. It was not observed in approximately 6,500 individuals of European and African American ancestry in the NHLBI Exome Sequencing Project, indicating it is not a common benign variant in these populations. The L4165R variant is a non-conservative amino acid substitution, which is likely to impact secondary protein structure as these residues differ in polarity, charge, size and/or other properties. This substitution occurs at a position where amino acids with similar properties to Leucine are tolerated across species, and in silico analysis predicts this variant is probably damaging to the protein structure/function. However, missense variants in nearby residues have not been reported in the Human Gene Mutation Database in association with SYNE1-related disorders (Stenson et al., 2014). Therefore, based on the currently available information, it is unclear whether this variant is a pathogenic variant or a rare benign variant.

Breakthrough Genomics
Classification: Uncertain significance. Review status: criteria provided, single submitter. Criteria: ACMG Guidelines, 2015. Collection method: not provided. Allele origin: germline. Inheritance: Autosomal recessive inheritance. Affected: yes.